The following is an entry in ClinVar:

NM_001220.5(CAMK2B):c.1543G>A (p.Val515Met)

Gene: CAMK2B (calcium/calmodulin dependent protein kinase II beta; minus strand). Cytogenetic location: 7p13.
Variant type: single nucleotide variant.
Coding change: c.1543G>A on transcript NM_001220.5 (MANE Select); coding-DNA position 1543, G replaced by A.
Protein change: p.Val515Met; replaces valine 515 with methionine.
Molecular consequence: missense variant. On other transcripts: intron variant (8).
Genome position (GRCh38, 1-based): chr7:44,226,570, C>T on the plus strand (G>A on the coding strand, the complement: CAMK2B is on the minus strand). VCF-style: chr7-44226570-C-T. GRCh37 (hg19) VCF-style: chr7-44266169-C-T.
Other names: c.947-5669G>A (NM_172084.3); c.1150+4436G>A (NM_172080.3); c.1036+4436G>A (NM_172083.3); c.1108+4436G>A (NM_172081.3); c.1153+4436G>A (NM_172079.3, NM_172082.3); c.1225+4436G>A (NM_001293170.2, NM_172078.3); short protein forms V515M.
Identifiers: ClinVar variation 2116008 (VCV002116008.4), dbSNP rs367731329, ClinGen allele CA4240244.

ClinVar aggregate classification (germline): Uncertain significance (1 of 4 stars; one submission).

gnomAD v4.1: 9 of 1,475,560 alleles (0.00061%); highest among the groups gnomAD compares: Non-Finnish European, 0.0008%; no homozygotes.

Submission:

Labcorp Genetics (formerly Invitae), Labcorp
Classification: Uncertain significance. Last evaluated: 2026-02-02. Review status: criteria provided, single submitter. Criteria: Invitae Variant Classification Sherloc (09022015). Collection method: clinical testing. Allele origin: germline.
Comment: This sequence change replaces valine, which is neutral and non-polar, with methionine, which is neutral and non-polar, at codon 515 of the CAMK2B protein (p.Val515Met). The frequency data for this variant in the population databases is considered unreliable, as metrics indicate poor data quality at this position in the gnomAD database. This variant has not been reported in the literature in individuals affected with CAMK2B-related conditions. ClinVar contains an entry for this variant (Variation ID: 2116008). An algorithm developed to predict the effect of missense changes on protein structure and function (PolyPhen-2) suggests that this variant is likely to be tolerated. In summary, the available evidence is currently insufficient to determine the role of this variant in disease. Therefore, it has been classified as a Variant of Uncertain Significance.